The following is an entry in ClinVar:

NM_001267550.2(TTN):c.101734A>G (p.Asn33912Asp)

Genes: TTN (titin; minus strand), TTN-AS1 (TTN antisense RNA 1; plus strand). Cytogenetic location: 2q31.2.
Variant type: single nucleotide variant.
Coding change: c.101734A>G on transcript NM_001267550.2 (MANE Select); coding-DNA position 101734, A replaced by G.
Protein change: p.Asn33912Asp; replaces asparagine 33912 with aspartic acid.
Molecular consequence: missense variant.
Genome position (GRCh38, 1-based): chr2:178,534,881, T>C on the plus strand (A>G on the coding strand, the complement: TTN is on the minus strand). VCF-style: chr2-178534881-T-C. GRCh37 (hg19) VCF-style: chr2-179399608-T-C.
Other names: c.96811A>G, p.Asn32271Asp (NM_001256850.1); c.74539A>G, p.Asn24847Asp (NM_003319.4); c.94030A>G, p.Asn31344Asp (NM_133378.4); c.74914A>G, p.Asn24972Asp (NM_133432.3); c.75115A>G, p.Asn25039Asp (NM_133437.4); short protein forms N31344D, N24972D, N25039D, N32271D, N24847D, N33912D.
Identifiers: ClinVar variation 4786036 (VCV004786036.1).

ClinVar aggregate classification (germline): Uncertain significance (1 of 4 stars; one submission).

Conditions:
Autosomal recessive limb-girdle muscular dystrophy type 2J (LGMDR10). Also called: Limb-girdle muscular dystrophy, type 2J; MUSCULAR DYSTROPHY, LIMB-GIRDLE, AUTOSOMAL RECESSIVE 10. Identifiers: Orphanet 140922, MedGen C1837342, MONDO:0012127, OMIM 608807.
Dilated cardiomyopathy 1G (CMD1G). Identifiers: Orphanet 154, MedGen C1858763, MONDO:0011400, OMIM 604145.

Submission:

Labcorp Genetics (formerly Invitae), Labcorp
Classification: Uncertain significance for Dilated cardiomyopathy 1G; Autosomal recessive limb-girdle muscular dystrophy type 2J. Last evaluated: 2025-09-03. Review status: criteria provided, single submitter. Criteria: Invitae Variant Classification Sherloc (09022015). Collection method: clinical testing. Allele origin: germline.
Comment: This sequence change replaces asparagine, which is neutral and polar, with aspartic acid, which is acidic and polar, at codon 33912 of the TTN protein (p.Asn33912Asp). This variant is not present in population databases (gnomAD no frequency). This variant has not been reported in the literature in individuals affected with TTN-related conditions. Experimental studies and prediction algorithms are not available or were not evaluated, and the functional significance of this variant is currently unknown. This variant is located in the M band of TTN (PMID: 25589632). Non-truncating variants in this region may be relevant for neuromuscular disorders, but have not been definitively shown to cause cardiomyopathy (PMID: 23975875). In summary, the available evidence is currently insufficient to determine the role of this variant in disease. Therefore, it has been classified as a Variant of Uncertain Significance.

Literature cited by the submitters: PubMed 25589632; PubMed 23975875.